The following is an entry in ClinVar:

NM_006035.4(CDC42BPB):c.217C>T (p.Arg73Ter)

Gene: CDC42BPB (CDC42 binding protein kinase beta; minus strand). Cytogenetic location: 14q32.32.
Variant type: single nucleotide variant.
Coding change: c.217C>T on transcript NM_006035.4 (MANE Select); coding-DNA position 217, C replaced by T.
Protein change: p.Arg73Ter; replaces arginine 73 with a stop codon.
Molecular consequence: nonsense.
Genome position (GRCh38, 1-based): chr14:103,012,147, G>A on the plus strand (C>T on the coding strand, the complement: CDC42BPB is on the minus strand). VCF-style: chr14-103012147-G-A. GRCh37 (hg19) VCF-style: chr14-103478484-G-A.
Other names: c.217C>T, p.Arg73Ter (NM_001411054.1); short protein forms R73*.
Identifiers: ClinVar variation 3234090 (VCV003234090.4), dbSNP rs2543011892, ClinGen allele CA391075506.

ClinVar aggregate classification (germline): Conflicting classifications of pathogenicity. Review status: criteria provided, conflicting classifications (1 of 4 stars). 4 submissions from 4 submitters: Likely pathogenic (2); Uncertain significance (2). Last evaluated 2026-07-01.

Conditions:
Chilton-Okur-Chung neurodevelopmental syndrome (CHOCNS). Identifiers: MedGen C5677022, MONDO:0859239, OMIM 619841.

Submissions (4):

Wendy Chung Laboratory, Boston Children's Hospital
Classification: Likely pathogenic for Chilton-Okur-Chung neurodevelopmental syndrome. Last evaluated: 2026-07-01. Review status: criteria provided, single submitter. Criteria: ACMG Guidelines, 2015. Collection method: clinical testing. Allele origin: germline. Affected: yes.

Dasa
Classification: Likely pathogenic. Last evaluated: 2026-01-13. Review status: criteria provided, single submitter. Criteria: DASA Assertion Criteria. Collection method: clinical testing. Allele origin: germline.
Comment: NM_006035.4(CDC42BPB):c.217C>T (p.Arg73*) introduces a premature termination codon predicted to result in loss of normal protein function. Loss-of-function is an established mechanism of disease for this gene. The variant is present at low frequency in population datasets. Based on the available data, this variant is classified as likely pathogenic.

MVZ Medizinische Genetik Mainz
Classification: Uncertain significance for Chilton-Okur-Chung neurodevelopmental syndrome. Last evaluated: 2023-08-29. Review status: criteria provided, single submitter. Criteria: UK Practice Guidelines For Variant Classification V4 01 2020. Collection method: clinical testing. Allele origin: germline. Inheritance: Autosomal dominant inheritance. Affected: yes. Observed: 1 variant allele.
Comment: ACMG Criteria: PVS1_MOD, PM2:SUP

Blueprint Genetics
Classification: Uncertain significance. Last evaluated: 2019-07-22. Review status: criteria provided, single submitter. Criteria: ACMG Guidelines, 2015. Collection method: clinical testing. Allele origin: germline.